The following is an entry in ClinVar:

NM_003074.4(SMARCC1):c.1870A>G (p.Thr624Ala)

Gene: SMARCC1 (SWI/SNF related BAF chromatin remodeling complex subunit C1; minus strand). Cytogenetic location: 3p21.31.
Variant type: single nucleotide variant.
Coding change: c.1870A>G on transcript NM_003074.4 (MANE Select); coding-DNA position 1870, A replaced by G.
Protein change: p.Thr624Ala; replaces threonine 624 with alanine.
Molecular consequence: missense variant.
Genome position (GRCh38, 1-based): chr3:47,670,687, T>C on the plus strand (A>G on the coding strand, the complement: SMARCC1 is on the minus strand). VCF-style: chr3-47670687-T-C. GRCh37 (hg19) VCF-style: chr3-47712177-T-C.
Other names: short protein forms T624A.
Identifiers: ClinVar variation 4529974 (VCV004529974.1).

ClinVar aggregate classification (germline): Uncertain significance (1 of 4 stars; one submission).

gnomAD v4.1: 2 of 1,596,040 alleles (0.00013%); highest among the groups gnomAD compares: African/African-American, 0.0027%; no homozygotes.

Submission:

GeneDx
Classification: Uncertain significance. Last evaluated: 2025-05-14. Review status: criteria provided, single submitter. Criteria: GeneDx Variant Classification Process June 2021. Collection method: clinical testing. Allele origin: germline. Affected: yes.
Comment: Not observed at significant frequency in large population cohorts (gnomAD); In silico analysis supports that this missense variant has a deleterious effect on protein structure/function; Has not been previously published as pathogenic or benign to our knowledge